The following is an entry in ClinVar:

NM_001242896.3(DEPDC5):c.1780C>T (p.Gln594Ter)

Gene: DEPDC5 (DEP domain containing 5, GATOR1 subcomplex subunit; plus strand). Cytogenetic location: 22q12.3.
Variant type: single nucleotide variant.
Coding change: c.1780C>T on transcript NM_001242896.3 (MANE Select); coding-DNA position 1780, C replaced by T.
Protein change: p.Gln594Ter; replaces glutamine 594 with a stop codon.
Molecular consequence: nonsense. On other transcripts: non-coding transcript variant (5).
Genome position (GRCh38, 1-based): chr22:31,819,135, C>T. VCF-style: chr22-31819135-C-T. GRCh37 (hg19) VCF-style: chr22-32215121-C-T.
Other names: p.Gln594*; c.1780C>T, p.Gln594Ter (NM_001136029.4, NM_001242897.2, NM_001363852.2 and 6 more transcripts); c.1696C>T, p.Gln566Ter (NM_001369901.1, NM_001369902.1); short protein forms Q566*, Q594*.
Identifiers: ClinVar variation 2683147 (VCV002683147.1), dbSNP rs2519376608, ClinGen allele CA411280794.

ClinVar aggregate classification (germline): Likely pathogenic (1 of 4 stars; one submission).

Submission:

Mayo Clinic Laboratories, Mayo Clinic
Classification: Likely pathogenic. Last evaluated: 2022-03-18. Review status: criteria provided, single submitter. Criteria: ACMG Guidelines, 2015. Collection method: clinical testing. Allele origin: germline. Observed: 1 variant allele.
Comment: PM2, PVS1